The following is an entry in ClinVar:

NM_001023.4(RPS20):c.222T>C (p.Ser74=)

Gene: RPS20 (ribosomal protein S20; minus strand). Cytogenetic location: 8q12.1.
Variant type: single nucleotide variant.
Coding change: c.222T>C on transcript NM_001023.4 (MANE Select); coding-DNA position 222, T replaced by C.
Protein change: p.Ser74=; no amino-acid change (serine 74 retained).
Molecular consequence: synonymous variant.
Genome position (GRCh38, 1-based): chr8:56,073,228, A>G on the plus strand (T>C on the coding strand, the complement: RPS20 is on the minus strand). VCF-style: chr8-56073228-A-G. GRCh37 (hg19) VCF-style: chr8-56985787-A-G.
Other names: c.222T>C, p.Ser74= (NM_001146227.3); c.222T>C (NM_001146227.1).
Identifiers: ClinVar variation 2448010 (VCV002448010.4), dbSNP rs1585722654, ClinGen allele CA460824062.

ClinVar aggregate classification (germline): Benign/Likely benign. Review status: criteria provided, multiple submitters, no conflicts (2 of 4 stars). 3 submissions from 3 submitters: Benign (1); Likely benign (2). Last evaluated 2026-08-03.

Conditions:
RPS20-related disorder. Also called: RPS20-related condition.
Familial colorectal cancer type X. Identifiers: Orphanet 440437, MedGen C3896578, MONDO:0018604.

gnomAD v4.1: 1 of 1,607,166 alleles (0.000062%); no homozygotes.

Submissions (3):

Myriad Genetics, Inc.
Classification: Benign for Familial colorectal cancer type X. Last evaluated: 2026-08-03. Review status: criteria provided, single submitter. Criteria: Myriad Autosomal Dominant, Autosomal Recessive and X-Linked Classification Criteria (2023). Collection method: clinical testing. Allele origin: unknown.
Comment: This variant is considered benign. This variant is a silent/synonymous amino acid change and it is not expected to impact splicing.

Department of Pathology and Laboratory Medicine, Sinai Health System
Classification: Likely benign for RPS20-related disorder. Last evaluated: 2023-09-21. Review status: criteria provided, single submitter. Criteria: ACMG Guidelines, 2015. Collection method: clinical testing. Allele origin: germline. Affected: no.

Ambry Genetics
Classification: Likely benign. Last evaluated: 2023-01-26. Review status: criteria provided, single submitter. Criteria: Ambry Variant Classification Scheme 2023. Collection method: clinical testing. Allele origin: germline.